The following is an entry in ClinVar:

NM_000059.4(BRCA2):c.758G>C (p.Ser253Thr)

Gene: BRCA2 (BRCA2 DNA repair associated; plus strand). Cytogenetic location: 13q13.1.
Variant type: single nucleotide variant.
Coding change: c.758G>C on transcript NM_000059.4 (MANE Select); coding-DNA position 758, G replaced by C.
Protein change: p.Ser253Thr; replaces serine 253 with threonine.
Molecular consequence: missense variant.
Genome position (GRCh38, 1-based): chr13:32,330,995, G>C. VCF-style: chr13-32330995-G-C. GRCh37 (hg19) VCF-style: chr13-32905132-G-C.
Other names: short protein forms S253T.
Identifiers: ClinVar variation 1404928 (VCV001404928.8), dbSNP rs1593890321, ClinGen allele CA387760123.

ClinVar aggregate classification (germline): Uncertain significance (1 of 4 stars; one submission).

Conditions:
Hereditary breast ovarian cancer syndrome. Also called: Hereditary breast and ovarian cancer syndrome; BRCA1- and BRCA2-Associated Hereditary Breast and Ovarian Cancer; Breast and ovarian cancer; Hereditary breast and/or ovarian cancer syndrome; Hereditary breast and ovarian cancer syndrome (HBOC); Hereditary breast and ovarian cancer. Identifiers: Orphanet 145, MedGen C0677776, MeSH D061325, MONDO:0003582. Disease mechanism: loss of function.

Submission:

Labcorp Genetics (formerly Invitae), Labcorp
Classification: Uncertain significance for Hereditary breast ovarian cancer syndrome. Last evaluated: 2024-02-21. Review status: criteria provided, single submitter. Criteria: Invitae Variant Classification Sherloc (09022015). Collection method: clinical testing. Allele origin: germline.
Comment: This sequence change replaces serine, which is neutral and polar, with threonine, which is neutral and polar, at codon 253 of the BRCA2 protein (p.Ser253Thr). This variant is not present in population databases (gnomAD no frequency). This variant has not been reported in the literature in individuals affected with BRCA2-related conditions. ClinVar contains an entry for this variant (Variation ID: 1404928). Advanced modeling of protein sequence and biophysical properties (such as structural, functional, and spatial information, amino acid conservation, physicochemical variation, residue mobility, and thermodynamic stability) performed at Invitae indicates that this missense variant is not expected to disrupt BRCA2 protein function with a negative predictive value of 95%. In summary, the available evidence is currently insufficient to determine the role of this variant in disease. Therefore, it has been classified as a Variant of Uncertain Significance.